The following is an entry in ClinVar:

ClinVar aggregate classification (germline): Conflicting classifications of pathogenicity. Review status: criteria provided, conflicting classifications (1 of 4 stars). 4 submissions from 4 submitters: Uncertain significance (2); Likely benign (1). 1 of the submissions does not count toward it. Last evaluated 2025-04-24.

Conditions:
Inborn genetic diseases. Identifiers: MedGen C0950123, MeSH D030342.
Intellectual disability. Also called: intellectual disabilities; Intellectual developmental disorder; Intellectual functioning disability. Identifiers: MedGen C3714756, MeSH D008607, MONDO:0001071, HP:0001249.

Allele frequency attached by ClinVar (database versions not stated): TOPMed 0.00001; gnomAD 0.00001; ExAC 0.00004; gnomAD exomes 0.00001 and 0.00002.
gnomAD v4.1: 13 of 1,613,960 alleles (0.00081%); highest among the groups gnomAD compares: Admixed American, 0.0017%; no homozygotes.

Submissions (4):

Labcorp Genetics (formerly Invitae), Labcorp
Classification: Uncertain significance. Last evaluated: 2025-04-24. Review status: criteria provided, single submitter. Criteria: Invitae Variant Classification Sherloc (09022015). Collection method: clinical testing. Allele origin: germline.
Comment: This sequence change replaces threonine, which is neutral and polar, with methionine, which is neutral and non-polar, at codon 105 of the ASXL1 protein (p.Thr105Met). This variant is present in population databases (rs749495615, gnomAD 0.004%). This variant has not been reported in the literature in individuals affected with ASXL1-related conditions. ClinVar contains an entry for this variant (Variation ID: 975504). An algorithm developed to predict the effect of missense changes on protein structure and function (PolyPhen-2) suggests that this variant is likely to be disruptive. In summary, the available evidence is currently insufficient to determine the role of this variant in disease. Therefore, it has been classified as a Variant of Uncertain Significance.

Ambry Genetics
Classification: Likely benign for Inborn genetic diseases. Last evaluated: 2025-01-24. Review status: criteria provided, single submitter. Criteria: Ambry Variant Classification Scheme 2023. Collection method: clinical testing. Allele origin: germline.

Mendelics
Classification: Uncertain significance. Last evaluated: 2022-05-04. Review status: criteria provided, single submitter. Criteria: Mendelics Assertion Criteria 2019. Collection method: clinical testing. Allele origin: germline.

Centre de Biologie Pathologie Génétique, Centre Hospitalier Universitaire de Lille
Classification: Likely benign for Intellectual disability. Last evaluated: 2019-01-01. Review status: no assertion criteria provided. Collection method: clinical testing. Allele origin: inherited. Affected: yes. Not counted in ClinVar's aggregate classification.

NM_015338.6(ASXL1):c.314C>T (p.Thr105Met)

Gene: ASXL1 (ASXL transcriptional regulator 1; plus strand). Cytogenetic location: 20q11.21.
Variant type: single nucleotide variant.
Coding change: c.314C>T on transcript NM_015338.6 (MANE Select); coding-DNA position 314, C replaced by T.
Protein change: p.Thr105Met; replaces threonine 105 with methionine.
Molecular consequence: missense variant.
Genome position (GRCh38, 1-based): chr20:32,428,189, C>T. VCF-style: chr20-32428189-C-T. GRCh37 (hg19) VCF-style: chr20-31015992-C-T.
Other names: c.284C>T, p.Thr95Met (NM_001363734.1); short protein forms T105M, T95M.
Identifiers: ClinVar variation 975504 (VCV000975504.8), dbSNP rs749495615, ClinGen allele CA9808057.